The following is an entry in ClinVar:

ClinVar aggregate classification (germline): Uncertain significance (0 of 4 stars; one submission).

Conditions:
PCSK1-related disorder. Also called: PCSK1-related condition.

gnomAD v4.1: 78 of 1,613,964 alleles (0.0048%); highest among the groups gnomAD compares: Non-Finnish European, 0.0059%; no homozygotes.

Submission:

PreventionGenetics, part of Exact Sciences
Classification: Uncertain significance for PCSK1-related condition. Last evaluated: 2024-03-04. Review status: no assertion criteria provided. Collection method: clinical testing. Allele origin: germline.
Comment: The PCSK1 c.1961G>A variant is predicted to result in the amino acid substitution p.Arg654Gln. This variant was observed in a cohort of obese individuals, and in vitro functional studies show inconclusive evidence of loss of function (Table 3 and Supplemental Data Set, Shah et al. 2023. PubMed ID: 36864747; Table 1, Folon et al. 2023. PubMed ID: 36822744). This variant is reported in 0.0054% of alleles in individuals of European (non-Finnish) descent in gnomAD. At this time, the clinical significance of this variant is uncertain due to the absence of conclusive functional and genetic evidence.

NM_000439.5(PCSK1):c.1961G>A (p.Arg654Gln)

Genes: CAST (calpastatin; plus strand), PCSK1 (proprotein convertase subtilisin/kexin type 1; minus strand), LOC101929710 (uncharacterized LOC101929710; plus strand). Cytogenetic location: 5q15.
Variant type: single nucleotide variant.
Coding change: c.1961G>A on transcript NM_000439.5 (MANE Select); coding-DNA position 1961, G replaced by A.
Protein change: p.Arg654Gln; replaces arginine 654 with glutamine.
Molecular consequence: missense variant. On other transcripts: intron variant (11).
Genome position (GRCh38, 1-based): chr5:96,393,302, C>T on the plus strand (G>A on the coding strand, the complement: PCSK1 is on the minus strand). VCF-style: chr5-96393302-C-T. GRCh37 (hg19) VCF-style: chr5-95729006-C-T.
Other names: c.-103+13650C>T (NM_001423253.1); c.-175+13650C>T (NM_001423255.1, NM_001423250.1, NM_001423251.1 and 6 more transcripts); c.-40+13650C>T (NM_001423258.1); c.1820G>A, p.Arg607Gln (NM_001177875.2); short protein forms R607Q, R654Q.
Identifiers: ClinVar variation 3349020 (VCV003349020.1).